The following is an entry in ClinVar:

ClinVar aggregate classification (germline): Uncertain significance (1 of 4 stars; one submission).

Conditions:
Hereditary cancer-predisposing syndrome. Also called: Neoplastic Syndromes, Hereditary; Tumor predisposition; Hereditary Cancer Syndrome; Hereditary neoplastic syndrome. Identifiers: Orphanet 140162, MedGen C0027672, MeSH D009386, MONDO:0015356.

Submission:

Ambry Genetics
Classification: Uncertain significance for Hereditary cancer-predisposing syndrome. Last evaluated: 2026-04-05. Review status: criteria provided, single submitter. Criteria: Ambry Variant Classification Scheme 2023. Collection method: clinical testing. Allele origin: germline.
Comment: The p.L1092F variant (also known as c.3274C>T), located in coding exon 12 of the PALB2 gene, results from a C to T substitution at nucleotide position 3274. The leucine at codon 1092 is replaced by phenylalanine, an amino acid with highly similar properties. This amino acid position is conserved. In addition, this alteration is predicted to be tolerated by in silico analysis. Based on the available evidence, the clinical significance of this variant remains unclear.

NM_024675.4(PALB2):c.3274C>T (p.Leu1092Phe)

Gene: PALB2 (partner and localizer of BRCA2; minus strand). Cytogenetic location: 16p12.2.
Variant type: single nucleotide variant.
Coding change: c.3274C>T on transcript NM_024675.4 (MANE Select); coding-DNA position 3274, C replaced by T.
Protein change: p.Leu1092Phe; replaces leucine 1092 with phenylalanine.
Molecular consequence: missense variant. On other transcripts: intron variant (8).
Genome position (GRCh38, 1-based): chr16:23,607,940, G>A on the plus strand (C>T on the coding strand, the complement: PALB2 is on the minus strand). VCF-style: chr16-23607940-G-A. GRCh37 (hg19) VCF-style: chr16-23619261-G-A.
Other names: c.2229-4271C>T (NM_001407308.1, NM_001407309.1); c.1414-4271C>T (NM_001407313.1); c.3040-4271C>T (NM_001407302.1); c.3114-4271C>T (NM_001407299.1); c.3202-4271C>T (NM_001407301.1); c.2317-4271C>T (NM_001407311.1, NM_001407310.1); c.3214C>T, p.Leu1072Phe (NM_001407296.1); c.3202C>T, p.Leu1068Phe (NM_001407297.1); and 6 more; short protein forms L1038F, L1068F, L1072F, L1092F, L270F, L496F, L743F, L797F.
Identifiers: ClinVar variation 4861481 (VCV004861481.1).